The following is an entry in ClinVar:

NM_000492.4(CFTR):c.1210-6dup

Genes: CFTR (CF transmembrane conductance regulator; plus strand), CFTR-AS1 (CFTR antisense RNA 1; minus strand). Cytogenetic location: 7q31.2.
Variant type: Duplication.
Coding change: c.1210-6dup on transcript NM_000492.4 (MANE Select); 6 bases into the intron before coding-DNA position 1210, one base duplicated (T; older notation c.1210-6dupT).
Molecular consequence: intron variant.
Genome position (GRCh38, 1-based): chr7:117,548,635, T duplicated; the last of 7 consecutive T bases (chr7:117,548,629-117,548,635); duplicating any one gives the same sequence. VCF-style (leftmost placement, unchanged base first): chr7-117548628-G-GT. GRCh37 (hg19) VCF-style: chr7-117188682-G-GT.
Other names: c.1210-6dupT (NM_000492.3).
Identifiers: ClinVar variation 1166547 (VCV001166547.8), dbSNP rs1805177, ClinGen allele CA4450948.

ClinVar aggregate classification (germline): Benign/Likely benign. Review status: criteria provided, multiple submitters, no conflicts (2 of 4 stars). 3 submissions from 3 submitters: Benign (1); Likely benign (1). 1 of the submissions does not count toward it. Last evaluated 2021-12-18.

Conditions:
CFTR-related disorder (CFTR-RD). Also called: CFTR-related condition; CFTR-related disorders. Identifiers: MedGen C5924204, MONDO:7770004.
Cystic fibrosis (CF). Also called: MUCOVISCIDOSIS. Identifiers: Orphanet 586, MedGen C0010674, MONDO:0009061, OMIM 219700. Disease mechanism: loss of function.

Submissions (3):

Labcorp Genetics (formerly Invitae), Labcorp
Classification: Benign for Cystic fibrosis. Last evaluated: 2021-12-18. Review status: criteria provided, single submitter. Criteria: Invitae Variant Classification Sherloc (09022015). Collection method: clinical testing. Allele origin: germline.

Ambry Genetics
Classification: Likely benign for Cystic fibrosis. Last evaluated: 2020-09-29. Review status: criteria provided, single submitter. Criteria: Ambry Variant Classification Scheme 2023. Collection method: clinical testing. Allele origin: germline.

PreventionGenetics, part of Exact Sciences
Classification: Benign for CFTR-related condition. Last evaluated: 2021-01-06. Review status: no assertion criteria provided. Collection method: clinical testing. Allele origin: germline. Not counted in ClinVar's aggregate classification.
Comment: This variant is classified as benign based on ACMG/AMP sequence variant interpretation guidelines (Richards et al. 2015 PMID: 25741868, with internal and published modifications).